The following is an entry in ClinVar:

ClinVar aggregate classification (germline): Uncertain significance (1 of 4 stars; one submission).

Conditions:
SEMA3F-related disorder. Also called: SEMA3F-related condition.

Allele frequency attached by ClinVar (database versions not stated): gnomAD exomes 0.00001; TOPMed 0.00001.
gnomAD v4.1: 6 of 1,544,962 alleles (0.00039%); highest among the groups gnomAD compares: Admixed American, 0.0038%; no homozygotes.

Submission:

PreventionGenetics, part of Exact Sciences
Classification: Uncertain significance for SEMA3F-related condition. Last evaluated: 2026-05-11. Review status: criteria provided, single submitter. Criteria: ACMG Guidelines, 2015. Collection method: clinical testing. Allele origin: germline.
Comment: The SEMA3F c.2327G>A variant is predicted to result in the amino acid substitution p.Arg776Gln. To our knowledge, this variant has not been reported in the literature. This variant is reported in 0.0037% of alleles in individuals of Latino descent in gnomAD. At this time, the clinical significance of this variant is uncertain due to the absence of conclusive functional and genetic evidence.

NM_004186.5(SEMA3F):c.2327G>A (p.Arg776Gln)

Gene: SEMA3F (semaphorin 3F; plus strand). Cytogenetic location: 3p21.31.
Variant type: single nucleotide variant.
Coding change: c.2327G>A on transcript NM_004186.5 (MANE Select); coding-DNA position 2327, G replaced by A.
Protein change: p.Arg776Gln; replaces arginine 776 with glutamine.
Molecular consequence: missense variant.
Genome position (GRCh38, 1-based): chr3:50,188,084, G>A. VCF-style: chr3-50188084-G-A. GRCh37 (hg19) VCF-style: chr3-50225517-G-A.
Other names: c.2030G>A, p.Arg677Gln (NM_001318798.2); c.2234G>A, p.Arg745Gln (NM_001318800.2); short protein forms R677Q, R745Q, R776Q.
Identifiers: ClinVar variation 2637303 (VCV002637303.2), dbSNP rs1464090758, ClinGen allele CA352906207.